The following is an entry in ClinVar:

ClinVar aggregate classification (germline): Benign (0 of 4 stars; one submission).

Conditions:
DNAH17-related disorder. Also called: DNAH17-related condition.

Allele frequency attached by ClinVar (database versions not stated): TOPMed 0.00296; ESP Exome Variant Server 0.00331; 1000 Genomes Project 0.00419; 1000 Genomes Project 30x 0.00422.
gnomAD v4.1: 843 of 1,613,992 alleles (0.052%); highest among the groups gnomAD compares: African/African-American, 0.88%; 3 homozygotes.

Submission:

PreventionGenetics, part of Exact Sciences
Classification: Benign for DNAH17-related condition. Last evaluated: 2020-01-14. Review status: no assertion criteria provided. Collection method: clinical testing. Allele origin: germline.
Comment: This variant is classified as benign based on ACMG/AMP sequence variant interpretation guidelines (Richards et al. 2015 PMID: 25741868, with internal and published modifications).

NM_173628.4(DNAH17):c.10842G>A (p.Thr3614=)

Gene: DNAH17 (dynein axonemal heavy chain 17; minus strand). Cytogenetic location: 17q25.3.
Variant type: single nucleotide variant.
Coding change: c.10842G>A on transcript NM_173628.4 (MANE Select); coding-DNA position 10842, G replaced by A.
Protein change: p.Thr3614=; no amino-acid change (threonine 3614 retained).
Molecular consequence: synonymous variant.
Genome position (GRCh38, 1-based): chr17:78,450,739, C>T on the plus strand (G>A on the coding strand, the complement: DNAH17 is on the minus strand). VCF-style: chr17-78450739-C-T. GRCh37 (hg19) VCF-style: chr17-76446821-C-T.
Identifiers: ClinVar variation 3052214 (VCV003052214.2), dbSNP rs142673519, ClinGen allele CA8800689.